The following is an entry in ClinVar:

ClinVar aggregate classification (germline): Uncertain significance (1 of 4 stars; one submission).

gnomAD v4.1: 1 of 1,613,942 alleles (0.000062%); highest among the groups gnomAD compares: Middle Eastern, 0.017%; no homozygotes.

Submission:

GeneDx
Classification: Uncertain significance. Last evaluated: 2025-01-15. Review status: criteria provided, single submitter. Criteria: GeneDx Variant Classification Process June 2021. Collection method: clinical testing. Allele origin: germline. Affected: yes.
Comment: Not observed at significant frequency in large population cohorts (gnomAD); In silico analysis indicates that this missense variant does not alter protein structure/function; Has not been previously published as pathogenic or benign to our knowledge

NM_001690.4(ATP6V1A):c.427G>A (p.Val143Ile)

Gene: ATP6V1A (ATPase H+ transporting V1 subunit A; plus strand). Cytogenetic location: 3q13.31.
Variant type: single nucleotide variant.
Coding change: c.427G>A on transcript NM_001690.4 (MANE Select); coding-DNA position 427, G replaced by A.
Protein change: p.Val143Ile; replaces valine 143 with isoleucine.
Molecular consequence: missense variant.
Genome position (GRCh38, 1-based): chr3:113,784,696, G>A. VCF-style: chr3-113784696-G-A. GRCh37 (hg19) VCF-style: chr3-113503543-G-A.
Other names: short protein forms V143I.
Identifiers: ClinVar variation 4070696 (VCV004070696.1).